The following is an entry in ClinVar:

ClinVar aggregate classification (germline): Uncertain significance (1 of 4 stars; one submission).

Conditions:
Chromosome 2q32-q33 deletion syndrome (GLASS). Also called: Glass syndrome; 2q33.1 deletion syndrome. Identifiers: Orphanet 251019, MedGen C2676739, MONDO:0012864, OMIM 612313.

Submission:

Labcorp Genetics (formerly Invitae), Labcorp
Classification: Uncertain significance for Chromosome 2q32-q33 deletion syndrome. Last evaluated: 2025-06-23. Review status: criteria provided, single submitter. Criteria: Invitae Variant Classification Sherloc (09022015). Collection method: clinical testing. Allele origin: germline.
Comment: This sequence change replaces serine, which is neutral and polar, with arginine, which is basic and polar, at codon 5 of the SATB2 protein (p.Ser5Arg). This variant is not present in population databases (gnomAD no frequency). This variant has not been reported in the literature in individuals affected with SATB2-related conditions. ClinVar contains an entry for this variant (Variation ID: 2813164). Invitae Evidence Modeling of protein sequence and biophysical properties (such as structural, functional, and spatial information, amino acid conservation, physicochemical variation, residue mobility, and thermodynamic stability) indicates that this missense variant is not expected to disrupt SATB2 protein function with a negative predictive value of 95%. In summary, the available evidence is currently insufficient to determine the role of this variant in disease. Therefore, it has been classified as a Variant of Uncertain Significance.

NM_001172509.2(SATB2):c.15C>G (p.Ser5Arg)

Gene: SATB2 (SATB homeobox 2; minus strand). Cytogenetic location: 2q33.1.
Variant type: single nucleotide variant.
Coding change: c.15C>G on transcript NM_001172509.2 (MANE Select); coding-DNA position 15, C replaced by G.
Protein change: p.Ser5Arg; replaces serine 5 with arginine.
Molecular consequence: missense variant. On other transcripts: non-coding transcript variant (1).
Genome position (GRCh38, 1-based): chr2:199,456,023, G>C on the plus strand (C>G on the coding strand, the complement: SATB2 is on the minus strand). VCF-style: chr2-199456023-G-C. GRCh37 (hg19) VCF-style: chr2-200320746-G-C.
Other names: c.15C>G, p.Ser5Arg (NM_001172517.1, NM_015265.4); short protein forms S5R.
Identifiers: ClinVar variation 2813164 (VCV002813164.3), dbSNP rs2469070015, ClinGen allele CA350388672.